The following is an entry in ClinVar:

ClinVar aggregate classification (germline): Uncertain significance (1 of 4 stars; one submission).

Submission:

CeGaT Center for Human Genetics Tuebingen
Classification: Uncertain significance. Last evaluated: 2026-09-01. Review status: criteria provided, single submitter. Criteria: CeGaT Center For Human Genetics Tuebingen Variant Classification Criteria Version 2. Collection method: clinical testing. Allele origin: germline. Affected: yes. Observed: 1 variant allele.
Comment: MBD5: PM2

NM_001378120.1(MBD5):c.2293A>G (p.Asn765Asp)

Gene: MBD5 (methyl-CpG binding domain protein 5; plus strand). Cytogenetic location: 2q23.1.
Variant type: single nucleotide variant.
Coding change: c.2293A>G on transcript NM_001378120.1 (MANE Select); coding-DNA position 2293, A replaced by G.
Protein change: p.Asn765Asp; replaces asparagine 765 with aspartic acid.
Molecular consequence: missense variant.
Genome position (GRCh38, 1-based): chr2:148,470,236, A>G. VCF-style: chr2-148470236-A-G. GRCh37 (hg19) VCF-style: chr2-149227805-A-G.
Other names: c.2293A>G, p.Asn765Asp (NM_001438854.1, NM_001438855.1, NM_001438856.1 and 7 more transcripts); short protein forms N765D.
Identifiers: ClinVar variation 5041569 (VCV005041569.1).